The following is an entry in ClinVar:

NM_000089.4(COL1A2):c.2918G>T (p.Gly973Val)

Gene: COL1A2 (collagen type I alpha 2 chain; plus strand). Cytogenetic location: 7q21.3.
Variant type: single nucleotide variant.
Coding change: c.2918G>T on transcript NM_000089.4 (MANE Select); coding-DNA position 2918, G replaced by T.
Protein change: p.Gly973Val; replaces glycine 973 with valine.
Molecular consequence: missense variant.
Genome position (GRCh38, 1-based): chr7:94,425,832, G>T. VCF-style: chr7-94425832-G-T. GRCh37 (hg19) VCF-style: chr7-94055144-G-T.
Other names: c.2918G>T (LRG_2t1); short protein forms G973V.
Identifiers: ClinVar variation 425654 (VCV000425654.2), dbSNP rs67609234, ClinGen allele CA162939988.

ClinVar aggregate classification (germline): Pathogenic. Review status: criteria provided, single submitter (1 of 4 stars). 2 submissions from 2 submitters: Pathogenic (1). 1 of the submissions does not count toward it. Last evaluated 2024-08-09.

Conditions:
Osteogenesis imperfecta (OI). Identifiers: Orphanet 666, MedGen C0029434, MeSH D010013, MONDO:0019019.
Osteogenesis imperfecta type III (OI3). Also called: Osteogenesis imperfecta type 3; OI type 3; Osteogenesis imperfecta, progressively deforming with normal sclerae; OI type III; Progressively Deforming Osteogenesis Imperfecta. Identifiers: Orphanet 216812, Orphanet 666, MedGen C0268362, MONDO:0009804, OMIM 259420.

Submissions (2):

Clinical Genetics Laboratory, Skane University Hospital Lund
Classification: Pathogenic for Osteogenesis imperfecta. Last evaluated: 2024-08-09. Review status: criteria provided, single submitter. Criteria: ACMG Guidelines, 2015. Collection method: clinical testing. Allele origin: germline. Affected: yes.
Comment: PS4, PM1, PM5, PP3

Department of Medical Sciences, Uppsala University
Classification: Pathogenic for OI type III. Review status: no assertion criteria provided. Collection method: clinical testing. Allele origin: unknown. Affected: yes. Observed: 1 variant allele. Not counted in ClinVar's aggregate classification.

Literature cited by the submitters: PubMed 25944380 (cited by Department of Medical Sciences, Uppsala University).